The following is an entry in ClinVar:

ClinVar aggregate classification (germline): Uncertain significance (1 of 4 stars; one submission).

Conditions:
Von Hippel-Lindau syndrome (VHLS). Also called: von Hippel–Lindau syndrome; VHL syndrome; Von Hippel-Lindau. Identifiers: Orphanet 892, MedGen C0019562, MONDO:0008667, OMIM 193300. Disease mechanism: loss of function.
Chuvash polycythemia. Also called: POLYCYTHEMIA, VHL-DEPENDENT. Identifiers: Orphanet 238557, MedGen C1837915, MONDO:0009892, OMIM 263400.

Submission:

Labcorp Genetics (formerly Invitae), Labcorp
Classification: Uncertain significance for Von Hippel-Lindau syndrome; Chuvash polycythemia. Last evaluated: 2023-06-27. Review status: criteria provided, single submitter. Criteria: Invitae Variant Classification Sherloc (09022015). Collection method: clinical testing. Allele origin: germline.
Comment: This variant is not present in population databases (gnomAD no frequency). This sequence change replaces glutamic acid, which is acidic and polar, with glycine, which is neutral and non-polar, at codon 41 of the VHL protein (p.Glu41Gly). This variant has not been reported in the literature in individuals affected with VHL-related conditions. In summary, the available evidence is currently insufficient to determine the role of this variant in disease. Therefore, it has been classified as a Variant of Uncertain Significance. Advanced modeling of protein sequence and biophysical properties (such as structural, functional, and spatial information, amino acid conservation, physicochemical variation, residue mobility, and thermodynamic stability) performed at Invitae indicates that this missense variant is not expected to disrupt VHL protein function.

NM_000551.4(VHL):c.122A>G (p.Glu41Gly)

Gene: VHL (von Hippel-Lindau tumor suppressor; plus strand). Cytogenetic location: 3p25.3.
Variant type: single nucleotide variant.
Coding change: c.122A>G on transcript NM_000551.4 (MANE Select); coding-DNA position 122, A replaced by G.
Protein change: p.Glu41Gly; replaces glutamic acid 41 with glycine.
Molecular consequence: missense variant. On other transcripts: non-coding transcript variant (1).
Genome position (GRCh38, 1-based): chr3:10,141,969, A>G. VCF-style: chr3-10141969-A-G. GRCh37 (hg19) VCF-style: chr3-10183653-A-G.
Other names: c.122A>G, p.Glu41Gly (NM_001354723.2, NM_198156.3); short protein forms E41G.
Identifiers: ClinVar variation 2949373 (VCV002949373.3), dbSNP rs1696122750, ClinGen allele CA351747932.
Genomic context (GRCh38, chr3:10,141,969, plus strand): 5'-AAGAGTACGGCCCTGAAGAAGACGGCGGGGAGGAGTCGGGCGCCGAGGAGTCCGGCCCGG[A>G]AGAGTCCGGCCCGGAGGAACTGGGCGCCGAGGAGGAGATGGAGGCCGGGCGGCCGCGGCC-3'
Protein context (NP_000542.1, residues 31-51): EESGAEESGP[Glu41Gly]ESGPEELGAE